The following is an entry in ClinVar:

NM_005411.5(SFTPA1):c.399A>G (p.Thr133=)

Gene: SFTPA1 (surfactant protein A1; plus strand). Cytogenetic location: 10q22.3.
Variant type: single nucleotide variant.
Coding change: c.399A>G on transcript NM_005411.5 (MANE Select); coding-DNA position 399, A replaced by G.
Protein change: p.Thr133=; no amino-acid change (threonine 133 retained).
Molecular consequence: synonymous variant.
Genome position (GRCh38, 1-based): chr10:79,613,765, A>G. VCF-style: chr10-79613765-A-G. GRCh37 (hg19) VCF-style: chr10-81373521-A-G.
Other names: p.Thr133=; c.444A>G, p.Thr148= (NM_001093770.3); c.399A>G, p.Thr133= (NM_001164644.2, NM_001164647.1); c.297A>G, p.Thr99= (NM_001164645.2); c.252A>G, p.Thr84= (NM_001164646.2); c.399A>G (NM_005411.4).
Identifiers: ClinVar variation 165199 (VCV000165199.10), dbSNP rs1059057, ClinGen allele CA177927.

ClinVar aggregate classification (germline): Benign/Likely benign. Review status: criteria provided, multiple submitters, no conflicts (2 of 4 stars). 5 submissions from 5 submitters: Benign (3); Likely benign (1). 1 of the submissions does not count toward it. Last evaluated 2024-11-27.

Conditions:
SFTPA1-related disorder. Also called: SFTPA1-related condition.

Allele frequency attached by ClinVar (database versions not stated): ESP Exome Variant Server 0.04972; gnomAD 0.06094 and 0.06633; TOPMed 0.07156; gnomAD exomes 0.07676 and 0.09883; 1000 Genomes Project 0.08167; 1000 Genomes Project 30x 0.08245; ExAC 0.09401.

Submissions (5):

Blueprint Genetics
Classification: Likely benign. Last evaluated: 2024-11-27. Review status: criteria provided, single submitter. Criteria: ACMG Guidelines, 2015. Collection method: clinical testing. Allele origin: germline.

Mayo Clinic Laboratories, Mayo Clinic
Classification: Benign. Last evaluated: 2022-09-06. Review status: criteria provided, single submitter. Criteria: ACMG Guidelines, 2015. Collection method: clinical testing. Allele origin: germline. Observed: 1 variant allele.

Laboratory for Molecular Medicine, Mass General Brigham Personalized Medicine
Classification: Benign. Last evaluated: 2013-02-21. Review status: criteria provided, single submitter. Criteria: LMM Criteria. Collection method: clinical testing. Allele origin: germline. Observed: 18 variant alleles.
Comment: Thr148Thr in exon 6 of SFTPA1: This variant is not expected to have clinical sig nificance because it does not alter an amino acid residue and is not located wit hin the splice consensus sequence. It has been identified in 6.7% (572/8586) of European American chromosomes from a broad population by the NHLBI Exome Sequenc ing Project (dbSNP rs141764116).

Breakthrough Genomics
Classification: Benign. Review status: criteria provided, single submitter. Criteria: ACMG Guidelines, 2015. Collection method: not provided. Allele origin: germline. Inheritance: Autosomal dominant inheritance. Affected: yes.

PreventionGenetics, part of Exact Sciences
Classification: Benign for SFTPA1-related condition. Last evaluated: 2024-04-22. Review status: no assertion criteria provided. Collection method: clinical testing. Allele origin: germline. Not counted in ClinVar's aggregate classification.
Comment: This variant is classified as benign based on ACMG/AMP sequence variant interpretation guidelines (Richards et al. 2015 PMID: 25741868, with internal and published modifications).